The following is an entry in ClinVar:

NM_001008537.3(NEXMIF):c.91C>G (p.Gln31Glu)

Gene: NEXMIF (neurite extension and migration factor; minus strand). Cytogenetic location: Xq13.3.
Variant type: single nucleotide variant.
Coding change: c.91C>G on transcript NM_001008537.3 (MANE Select); coding-DNA position 91, C replaced by G.
Protein change: p.Gln31Glu; replaces glutamine 31 with glutamic acid.
Molecular consequence: missense variant.
Genome position (GRCh38, 1-based): chrX:74,744,466, G>C on the plus strand (C>G on the coding strand, the complement: NEXMIF is on the minus strand). VCF-style: chrX-74744466-G-C. GRCh37 (hg19) VCF-style: chrX-73964301-G-C.
Other names: c.91C>G (NM_001008537.2); short protein forms Q31E.
Identifiers: ClinVar variation 2140934 (VCV002140934.7), dbSNP rs769243169, ClinGen allele CA10455256.
Genomic context (GRCh38, chrX:74,744,466, plus strand): 5'-GTGTAGGCTGGATAGGTGCAGCAGCTTCTAGAGCTGCAAATGACTTCATTGCCACATCCT[G>C]GTCCTCTGAGTCTAGAAAAAAGGGAAAGAAATGACAGGAATAAAATTAAGAGTCTTAGAC-3'
Protein context (NP_001008537.1, residues 21-41): NGVKENDSED[Gln31Glu]DVAMKSFAAL

ClinVar aggregate classification (germline): Benign/Likely benign. Review status: criteria provided, multiple submitters, no conflicts (2 of 4 stars). 3 submissions from 3 submitters: Benign (1); Likely benign (1). 1 of the submissions does not count toward it. Last evaluated 2026-01-28.

Conditions:
NEXMIF-related disorder. Also called: NEXMIF-related condition.

Allele frequency attached by ClinVar (database versions not stated): gnomAD 0.00004; ExAC 0.00007; 1000 Genomes Project 30x 0.00021; 1000 Genomes Project 0.00026.
gnomAD v4.1: 53 of 1,187,470 alleles (0.0045%); highest among the groups gnomAD compares: South Asian, 0.056%; no homozygotes.

Submissions (3):

Labcorp Genetics (formerly Invitae), Labcorp
Classification: Benign. Last evaluated: 2026-01-28. Review status: criteria provided, single submitter. Criteria: Invitae Variant Classification Sherloc (09022015). Collection method: clinical testing. Allele origin: germline.

Ambry Genetics
Classification: Likely benign. Last evaluated: 2024-04-24. Review status: criteria provided, single submitter. Criteria: Ambry Variant Classification Scheme 2023. Collection method: clinical testing. Allele origin: germline.

PreventionGenetics, part of Exact Sciences
Classification: Likely benign for NEXMIF-related condition. Last evaluated: 2022-10-27. Review status: no assertion criteria provided. Collection method: clinical testing. Allele origin: germline. Not counted in ClinVar's aggregate classification.
Comment: This variant is classified as likely benign based on ACMG/AMP sequence variant interpretation guidelines (Richards et al. 2015 PMID: 25741868, with internal and published modifications).